The following is an entry in ClinVar:

ClinVar aggregate classification (germline): Uncertain significance (1 of 4 stars; one submission).

gnomAD v4.1: 6 of 1,612,560 alleles (0.00037%); highest among the groups gnomAD compares: Non-Finnish European, 0.00051%; no homozygotes.

Submission:

GeneDx
Classification: Uncertain significance. Last evaluated: 2023-02-19. Review status: criteria provided, single submitter. Criteria: GeneDx Variant Classification Process June 2021. Collection method: clinical testing. Allele origin: germline. Affected: yes.
Comment: Not observed at significant frequency in large population cohorts (gnomAD); In silico analysis supports that this missense variant has a deleterious effect on protein structure/function; This variant is associated with the following publications: (PMID: 32677093)

NM_004092.4(ECHS1):c.542G>T (p.Arg181Leu)

Gene: ECHS1 (enoyl-CoA hydratase, short chain 1; minus strand). Cytogenetic location: 10q26.3.
Variant type: single nucleotide variant.
Coding change: c.542G>T on transcript NM_004092.4 (MANE Select); coding-DNA position 542, G replaced by T.
Protein change: p.Arg181Leu; replaces arginine 181 with leucine.
Molecular consequence: missense variant.
Genome position (GRCh38, 1-based): chr10:133,366,966, C>A on the plus strand (G>T on the coding strand, the complement: ECHS1 is on the minus strand). VCF-style: chr10-133366966-C-A. GRCh37 (hg19) VCF-style: chr10-135180470-C-A.
Other names: short protein forms R181L.
Identifiers: ClinVar variation 2576762 (VCV002576762.1), dbSNP rs1354738022, ClinGen allele CA378819650.
Genomic context (GRCh38, chr10:133,366,966, plus strand): 5'-TGGGCTGAGATCCGGTCACCAGTGAGGACCATCTCCATCGCCAGCGACTTCCCAACAGCA[C>A]GGGTGAGTCTCTGGGTGCCGCCCGCACCTGCAGGGAGGGGCTGGTCATGGCTGGCACTGT-3'
Protein context (NP_004083.3, residues 171-191): PGAGGTQRLT[Arg181Leu]AVGKSLAMEM